The following is an entry in ClinVar:

ClinVar aggregate classification (germline): Benign (0 of 4 stars; one submission).

Conditions:
SPINK2-related disorder. Also called: SPINK2-related condition.

Allele frequency attached by ClinVar (database versions not stated): ExAC 0.08229; gnomAD 0.19239; 1000 Genomes Project 0.22045; TOPMed 0.22269; 1000 Genomes Project 30x 0.23111.
gnomAD v4.1: 133,077 of 1,546,526 alleles (8.6%); highest among the groups gnomAD compares: African/African-American, 48%; 13,192 homozygotes.

Submission:

PreventionGenetics, part of Exact Sciences
Classification: Benign for SPINK2-related condition. Last evaluated: 2019-10-24. Review status: no assertion criteria provided. Collection method: clinical testing. Allele origin: germline.
Comment: This variant is classified as benign based on ACMG/AMP sequence variant interpretation guidelines (Richards et al. 2015 PMID: 25741868, with internal and published modifications).

NM_001271718.2(SPINK2):c.110G>A (p.Gly37Glu)

Genes: SPINK2 (serine peptidase inhibitor Kazal type 2; minus strand), LOC129992634 (ATAC-STARR-seq lymphoblastoid silent region 15455; plus strand). Cytogenetic location: 4q12.
Variant type: single nucleotide variant.
Coding change: c.110G>A on transcript NM_001271718.2 (MANE Select); coding-DNA position 110, G replaced by A.
Protein change: p.Gly37Glu; replaces glycine 37 with glutamic acid.
Molecular consequence: missense variant. On other transcripts: non-coding transcript variant (2), intron variant (1).
Genome position (GRCh38, 1-based): chr4:56,821,553, C>T on the plus strand (G>A on the coding strand, the complement: SPINK2 is on the minus strand). VCF-style: chr4-56821553-C-T. GRCh37 (hg19) VCF-style: chr4-57687719-C-T.
Other names: c.110G>A, p.Gly37Glu (NM_001271719.2, NM_001271720.2, NM_001271721.2 and 1 more transcripts); c.55+55G>A (NM_021114.4); short protein forms G37E.
Identifiers: ClinVar variation 3059829 (VCV003059829.2), dbSNP rs781544, ClinGen allele CA2931990.
Genomic context (GRCh38, chr4:56,821,553, plus strand): 5'-GCGCGGGTACCGTCGCCGAGGCCGCCCGGAGCAGGGCAGGGTCCGCCGCCGGTCTGACTC[C>T]CAAACCCGCTTTTCTCCGGAGGTCCCCGCTCGCCAGGACCGCTCCGAGCGCTACCTGCGA-3'
Protein context (NP_001258647.1, residues 27-47): ERGPPEKSGF[Gly37Glu]SQTGGGPCPA